The following is an entry in ClinVar:

NM_004523.4(KIF11):c.2080A>G (p.Ile694Val)

Gene: KIF11 (kinesin family member 11; plus strand). Cytogenetic location: 10q23.33.
Variant type: single nucleotide variant.
Coding change: c.2080A>G on transcript NM_004523.4 (MANE Select); coding-DNA position 2080, A replaced by G.
Protein change: p.Ile694Val; replaces isoleucine 694 with valine.
Molecular consequence: missense variant.
Genome position (GRCh38, 1-based): chr10:92,637,465, A>G. VCF-style: chr10-92637465-A-G. GRCh37 (hg19) VCF-style: chr10-94397222-A-G.
Other names: short protein forms I694V.
Identifiers: ClinVar variation 2097261 (VCV002097261.4), dbSNP rs2492525522, ClinGen allele CA377593369.

ClinVar aggregate classification (germline): Uncertain significance (1 of 4 stars; one submission).

Allele frequency attached by ClinVar (database versions not stated): gnomAD exomes below 0.00001.
gnomAD v4.1: 1 of 1,607,616 alleles (0.000062%); highest among the groups gnomAD compares: Non-Finnish European, 0.000085%; no homozygotes.

Submission:

Labcorp Genetics (formerly Invitae), Labcorp
Classification: Uncertain significance. Last evaluated: 2022-05-28. Review status: criteria provided, single submitter. Criteria: Invitae Variant Classification Sherloc (09022015). Collection method: clinical testing. Allele origin: germline.
Comment: In summary, the available evidence is currently insufficient to determine the role of this variant in disease. Therefore, it has been classified as a Variant of Uncertain Significance. This sequence change replaces isoleucine, which is neutral and non-polar, with valine, which is neutral and non-polar, at codon 694 of the KIF11 protein (p.Ile694Val). This variant is not present in population databases (gnomAD no frequency). This variant has not been reported in the literature in individuals affected with KIF11-related conditions. Algorithms developed to predict the effect of missense changes on protein structure and function output the following: SIFT: "Tolerated"; PolyPhen-2: "Benign"; Align-GVGD: "Class C0". The valine amino acid residue is found in multiple mammalian species, which suggests that this missense change does not adversely affect protein function.